The following is an entry in ClinVar:

NM_001277115.2(DNAH11):c.12174C>T (p.Ala4058=)

Gene: DNAH11 (dynein axonemal heavy chain 11; plus strand). Cytogenetic location: 7p15.3.
Variant type: single nucleotide variant.
Coding change: c.12174C>T on transcript NM_001277115.2 (MANE Select); coding-DNA position 12174, C replaced by T.
Protein change: p.Ala4058=; no amino-acid change (alanine 4058 retained).
Molecular consequence: synonymous variant.
Genome position (GRCh38, 1-based): chr7:21,873,480, C>T. VCF-style: chr7-21873480-C-T. GRCh37 (hg19) VCF-style: chr7-21913098-C-T.
Identifiers: ClinVar variation 359683 (VCV000359683.46), dbSNP rs185794149, ClinGen allele CA4182979.

ClinVar aggregate classification (germline): Benign/Likely benign. Review status: criteria provided, multiple submitters, no conflicts (2 of 4 stars). 5 submissions from 5 submitters: Benign (1); Likely benign (4). Last evaluated 2026-01-09.

Conditions:
Primary ciliary dyskinesia. Also called: Ciliary dyskinesia. Identifiers: Orphanet 244, MedGen C0008780, MONDO:0016575, HP:0012265.

Allele frequency attached by ClinVar (database versions not stated): gnomAD 0.00109 and 0.00110; gnomAD exomes 0.00111 and 0.00078; TOPMed 0.00150; ESP Exome Variant Server 0.00073; 1000 Genomes Project 0.00080; ExAC 0.00087; 1000 Genomes Project 30x 0.00094.
gnomAD v4.1: 1,370 of 1,613,888 alleles (0.085%); highest among the groups gnomAD compares: Middle Eastern, 1.1%; 3 homozygotes.

Submissions (5):

Labcorp Genetics (formerly Invitae), Labcorp
Classification: Benign for Primary ciliary dyskinesia. Last evaluated: 2026-01-09. Review status: criteria provided, single submitter. Criteria: Invitae Variant Classification Sherloc (09022015). Collection method: clinical testing. Allele origin: germline.

CeGaT Center for Human Genetics Tuebingen
Classification: Likely benign. Last evaluated: 2025-11-01. Review status: criteria provided, single submitter. Criteria: CeGaT Center For Human Genetics Tuebingen Variant Classification Criteria Version 2. Collection method: clinical testing. Allele origin: germline. Affected: yes. Observed: 4 variant alleles.
Comment: DNAH11: BP4, BP7

Blueprint Genetics
Classification: Likely benign. Last evaluated: 2024-11-27. Review status: criteria provided, single submitter. Criteria: ACMG Guidelines, 2015. Collection method: clinical testing. Allele origin: germline.

GeneDx
Classification: Likely benign. Last evaluated: 2020-02-19. Review status: criteria provided, single submitter. Criteria: GeneDx Variant Classification Process June 2021. Collection method: clinical testing. Allele origin: germline. Affected: yes.

Ambry Genetics
Classification: Likely benign for Primary ciliary dyskinesia. Last evaluated: 2017-09-29. Review status: criteria provided, single submitter. Criteria: Ambry Variant Classification Scheme 2023. Collection method: clinical testing. Allele origin: germline.